The following is an entry in ClinVar:

NM_015215.4(CAMTA1):c.294del (p.Lys99fs)

Gene: CAMTA1 (calmodulin binding transcription activator 1; plus strand). Cytogenetic location: 1p36.31.
Variant type: Deletion.
Coding change: c.294del on transcript NM_015215.4 (MANE Select); coding-DNA position 294, one base deleted (T; older notation c.294delT).
Protein change: p.Lys99fs; shifts the reading frame from lysine 99.
Molecular consequence: frameshift variant.
Genome position (GRCh38, 1-based): chr1:7,091,363, T deleted. VCF-style (leftmost placement, unchanged base first): chr1-7091362-CT-C. GRCh37 (hg19) VCF-style: chr1-7151422-CT-C.
Other names: c.204del, p.Lys69fs (NM_001349608.2, NM_001349612.2); c.294del, p.Lys99fs (NM_001349609.2, NM_001349610.2, NM_001410737.1 and 1 more transcripts); short protein forms K69fs, K99fs.
Identifiers: ClinVar variation 4813437 (VCV004813437.1).
Genomic context (GRCh38, chr1:7,091,362, plus strand): 5'-AGGAAATTGCAGCTTATTTAATAACATTTGAGAAACACGAAGAATGGCTAACCACCTCCC[CT>C]AAGACAAGGTAATGTCCCAGATCTTGCAGTTTTTCAAATGTGTACCATAAGTGGATTGAT-3'

ClinVar aggregate classification (germline): Pathogenic (1 of 4 stars; one submission).

Conditions:
Cerebellar dysfunction with variable cognitive and behavioral abnormalities (CECBA). Also called: Nonprogressive cerebellar atxia with intellectual disability. Identifiers: Orphanet 314647, MedGen C3553661, MONDO:0013886, OMIM 614756.

Submission:

MVZ Praenatalmedizin und Genetik Nuernberg
Classification: Pathogenic for Cerebellar dysfunction with variable cognitive and behavioral abnormalities. Last evaluated: 2023-10-06. Review status: criteria provided, single submitter. Criteria: ACMG Guidelines, 2015. Collection method: clinical testing. Allele origin: germline. Affected: yes.
Comment: This variant leads to a frameshift in exon 4 and a premature stop codon and is therefore considered pathogenic due to loss of function. Accordingly ClinVar-entries for several downstream loss-of-function variants in this gene are also listed as likely pathogenic or pathogenic.